The following is an entry in ClinVar:

ClinVar aggregate classification (germline): Pathogenic (1 of 4 stars; one submission).

Submission:

Labcorp Genetics (formerly Invitae), Labcorp
Classification: Pathogenic. Last evaluated: 2023-12-30. Review status: criteria provided, single submitter. Criteria: Invitae Variant Classification Sherloc (09022015). Collection method: clinical testing. Allele origin: germline.
Comment: This sequence change creates a premature translational stop signal (p.Pro1374Thrfs*23) in the FRAS1 gene. It is expected to result in an absent or disrupted protein product. Loss-of-function variants in FRAS1 are known to be pathogenic (PMID: 12766769, 18671281). This variant is not present in population databases (gnomAD no frequency). This variant has not been reported in the literature in individuals affected with FRAS1-related conditions. For these reasons, this variant has been classified as Pathogenic.

Literature cited by the submitters: PubMed 12766769; PubMed 18671281.

NM_025074.7(FRAS1):c.4110_4119dup (p.Pro1374fs)

Gene: FRAS1 (Fraser extracellular matrix complex subunit 1; plus strand). Cytogenetic location: 4q21.21.
Variant type: Duplication.
Coding change: c.4110_4119dup on transcript NM_025074.7 (MANE Select); coding-DNA positions 4110 to 4119, 10 bases duplicated (ACAAGACTAC; older notation c.4110_4119dupACAAGACTAC).
Protein change: p.Pro1374fs; shifts the reading frame from proline 1374.
Molecular consequence: frameshift variant.
Genome position (GRCh38, 1-based): chr4:78,400,868-78,400,877, ACAAGACTAC duplicated; duplicating any 10 consecutive bases within chr4:78,400,865-78,400,877 gives the same sequence; the c. name uses the placement nearest the transcript's 3' end. VCF-style (leftmost placement, unchanged base first): chr4-78400864-T-TTACACAAGAC. GRCh37 (hg19) VCF-style: chr4-79322018-T-TTACACAAGAC.
Other names: c.4110_4119dup, p.Pro1374fs (NM_001166133.2); short protein forms P1374fs.
Identifiers: ClinVar variation 2706507 (VCV002706507.3), dbSNP rs1732862259, ClinGen allele CA1470507460.